The following is an entry in ClinVar:

NM_004006.3(DMD):c.6052C>A (p.Leu2018Ile)

Gene: DMD (dystrophin; minus strand). Cytogenetic location: Xp21.1.
Variant type: single nucleotide variant.
Coding change: c.6052C>A on transcript NM_004006.3 (MANE Select); coding-DNA position 6052, C replaced by A.
Protein change: p.Leu2018Ile; replaces leucine 2018 with isoleucine.
Molecular consequence: missense variant.
Genome position (GRCh38, 1-based): chrX:32,310,147, G>T on the plus strand (C>A on the coding strand, the complement: DMD is on the minus strand). VCF-style: chrX-32310147-G-T. GRCh37 (hg19) VCF-style: chrX-32328264-G-T.
Other names: p.L2018I:CTC>ATC; c.6028C>A, p.Leu2010Ile (NM_000109.4); c.6040C>A, p.Leu2014Ile (NM_004009.3); c.5683C>A, p.Leu1895Ile (NM_004010.3); c.2029C>A, p.Leu677Ile (NM_004011.4); c.2020C>A, p.Leu674Ile (NM_004012.4); short protein forms L2018I, L2010I, L1895I, L2014I, L674I, L677I.
Identifiers: ClinVar variation 201755 (VCV000201755.25), dbSNP rs367702968, ClinGen allele CA308410.

ClinVar aggregate classification (germline): Conflicting classifications of pathogenicity. Review status: criteria provided, conflicting classifications (1 of 4 stars). 6 submissions from 6 submitters: Uncertain significance (2); Likely benign (4). Last evaluated 2026-03-01.

Conditions:
Cardiovascular phenotype. Identifiers: MedGen CN230736.
Duchenne muscular dystrophy (DMD). Also called: MUSCULAR DYSTROPHY, PSEUDOHYPERTROPHIC PROGRESSIVE, DUCHENNE TYPE; Duchenne Muscular Dystrophy (DMD). Identifiers: Orphanet 98896, MedGen C0013264, MONDO:0010679, OMIM 310200.

Allele frequency attached by ClinVar (database versions not stated): gnomAD exomes 0.00003; ExAC 0.00006; ESP Exome Variant Server 0.00009; 1000 Genomes Project 30x 0.00021; gnomAD 0.00024 and 0.00025; 1000 Genomes Project 0.00026; TOPMed 0.00032.
gnomAD v4.1: 52 of 1,207,897 alleles (0.0043%); highest among the groups gnomAD compares: African/African-American, 0.091%; no homozygotes.

Submissions (6):

CeGaT Center for Human Genetics Tuebingen
Classification: Likely benign. Last evaluated: 2026-03-01. Review status: criteria provided, single submitter. Criteria: CeGaT Center For Human Genetics Tuebingen Variant Classification Criteria Version 2. Collection method: clinical testing. Allele origin: germline. Affected: yes. Observed: 1 variant allele.
Comment: DMD: BS2

Labcorp Genetics (formerly Invitae), Labcorp
Classification: Likely benign for Duchenne muscular dystrophy. Last evaluated: 2026-01-19. Review status: criteria provided, single submitter. Criteria: Invitae Variant Classification Sherloc (09022015). Collection method: clinical testing. Allele origin: germline.

Women's Health and Genetics/Laboratory Corporation of America, LabCorp
Classification: Uncertain significance. Last evaluated: 2025-03-17. Review status: criteria provided, single submitter. Criteria: LabCorp Variant Classification Summary - May 2015. Collection method: clinical testing. Allele origin: germline.

Ambry Genetics
Classification: Likely benign for Cardiovascular phenotype. Last evaluated: 2022-11-14. Review status: criteria provided, single submitter. Criteria: Ambry Variant Classification Scheme 2023. Collection method: clinical testing. Allele origin: germline.

GeneDx
Classification: Likely benign. Last evaluated: 2021-04-30. Review status: criteria provided, single submitter. Criteria: GeneDx Variant Classification Process June 2021. Collection method: clinical testing. Allele origin: germline. Affected: yes.

Eurofins Ntd Llc (ga)
Classification: Uncertain significance. Last evaluated: 2017-11-14. Review status: criteria provided, single submitter. Criteria: EGL Classification Definitions 2015. Collection method: clinical testing. Allele origin: germline. Observed: 1 variant allele, 1 heterozygote.